The following is an entry in ClinVar:

ClinVar aggregate classification (germline): Conflicting classifications of pathogenicity. Review status: criteria provided, conflicting classifications (1 of 4 stars). 2 submissions from 2 submitters: Likely pathogenic (1); Uncertain significance (1). Last evaluated 2025-04-07.

Conditions:
Hereditary spastic paraplegia 3A (SPG3A). Also called: SPASTIC PARAPLEGIA 3, AUTOSOMAL DOMINANT; FAMILIAL SPASTIC PARAPLEGIA, AUTOSOMAL DOMINANT, 1; Spastic paraplegia 3A, autosomal dominant; SPG3; STRUMPELL DISEASE; Spastic Paraplegia 3A. Identifiers: Orphanet 100984, MedGen C2931355, MONDO:0008437, OMIM 182600.

Submissions (2):

Labcorp Genetics (formerly Invitae), Labcorp
Classification: Uncertain significance for Hereditary spastic paraplegia 3A. Last evaluated: 2025-04-07. Review status: criteria provided, single submitter. Criteria: Invitae Variant Classification Sherloc (09022015). Collection method: clinical testing. Allele origin: germline.
Comment: This sequence change replaces alanine, which is neutral and non-polar, with aspartic acid, which is acidic and polar, at codon 449 of the ATL1 protein (p.Ala449Asp). This variant is not present in population databases (gnomAD no frequency). This variant has not been reported in the literature in individuals affected with ATL1-related conditions. ClinVar contains an entry for this variant (Variation ID: 1302427). Invitae Evidence Modeling of protein sequence and biophysical properties (such as structural, functional, and spatial information, amino acid conservation, physicochemical variation, residue mobility, and thermodynamic stability) has been performed for this missense variant. However, the output from this modeling did not meet the statistical confidence thresholds required to predict the impact of this variant on ATL1 protein function. In summary, the available evidence is currently insufficient to determine the role of this variant in disease. Therefore, it has been classified as a Variant of Uncertain Significance.

GeneDx
Classification: Likely pathogenic. Last evaluated: 2025-02-05. Review status: criteria provided, single submitter. Criteria: GeneDx Variant Classification Process June 2021. Collection method: clinical testing. Allele origin: germline. Affected: yes.
Comment: Not observed at significant frequency in large population cohorts (gnomAD); In silico analysis supports that this missense variant has a deleterious effect on protein structure/function; Has not been previously published as pathogenic or benign to our knowledge

NM_015915.5(ATL1):c.1346C>A (p.Ala449Asp)

Gene: ATL1 (atlastin GTPase 1; plus strand). Cytogenetic location: 14q22.1.
Variant type: single nucleotide variant.
Coding change: c.1346C>A on transcript NM_015915.5 (MANE Select); coding-DNA position 1346, C replaced by A.
Protein change: p.Ala449Asp; replaces alanine 449 with aspartic acid.
Molecular consequence: missense variant.
Genome position (GRCh38, 1-based): chr14:50,628,257, C>A. VCF-style: chr14-50628257-C-A. GRCh37 (hg19) VCF-style: chr14-51094975-C-A.
Other names: c.1346C>A, p.Ala449Asp (NM_001127713.1, NM_181598.4); short protein forms A449D.
Identifiers: ClinVar variation 1302427 (VCV001302427.5), dbSNP rs1402672430, ClinGen allele CA389676090.